The following is an entry in ClinVar:

NM_000165.5(GJA1):c.1075G>A (p.Val359Met)

Gene: GJA1 (gap junction protein alpha 1; plus strand). Cytogenetic location: 6q22.31.
Variant type: single nucleotide variant.
Coding change: c.1075G>A on transcript NM_000165.5 (MANE Select); coding-DNA position 1075, G replaced by A.
Protein change: p.Val359Met; replaces valine 359 with methionine.
Molecular consequence: missense variant.
Genome position (GRCh38, 1-based): chr6:121,447,922, G>A. VCF-style: chr6-121447922-G-A. GRCh37 (hg19) VCF-style: chr6-121769068-G-A.
Other names: short protein forms V359M.
Identifiers: ClinVar variation 2718313 (VCV002718313.3), dbSNP rs751588212, ClinGen allele CA3981820.

ClinVar aggregate classification (germline): Uncertain significance (1 of 4 stars; one submission).

Conditions:
Oculodentodigital dysplasia, autosomal recessive. Also called: OCULODENTOOSSEOUS DYSPLASIA, AUTOSOMAL RECESSIVE; ODDD, AUTOSOMAL RECESSIVE; ODOD, AUTOSOMAL RECESSIVE. Identifiers: Orphanet 2710, MedGen C2749477, MONDO:0009768, OMIM 257850.

Allele frequency attached by ClinVar (database versions not stated): ExAC 0.00001.

Submission:

Labcorp Genetics (formerly Invitae), Labcorp
Classification: Uncertain significance for Oculodentodigital dysplasia, autosomal recessive. Last evaluated: 2024-01-05. Review status: criteria provided, single submitter. Criteria: Invitae Variant Classification Sherloc (09022015). Collection method: clinical testing. Allele origin: germline.
Comment: This sequence change replaces valine, which is neutral and non-polar, with methionine, which is neutral and non-polar, at codon 359 of the GJA1 protein (p.Val359Met). This variant is present in population databases (rs751588212, gnomAD 0.0009%). This variant has not been reported in the literature in individuals affected with GJA1-related conditions. Advanced modeling of protein sequence and biophysical properties (such as structural, functional, and spatial information, amino acid conservation, physicochemical variation, residue mobility, and thermodynamic stability) has been performed at Invitae for this missense variant, however the output from this modeling did not meet the statistical confidence thresholds required to predict the impact of this variant on GJA1 protein function. In summary, the available evidence is currently insufficient to determine the role of this variant in disease. Therefore, it has been classified as a Variant of Uncertain Significance.